The following is an entry in ClinVar:

NM_145290.4(ADGRA3):c.1072A>G (p.Lys358Glu)

Gene: ADGRA3 (adhesion G protein-coupled receptor A3; minus strand). Cytogenetic location: 4p15.2.
Variant type: single nucleotide variant.
Coding change: c.1072A>G on transcript NM_145290.4 (MANE Select); coding-DNA position 1072, A replaced by G.
Protein change: p.Lys358Glu; replaces lysine 358 with glutamic acid.
Molecular consequence: missense variant.
Genome position (GRCh38, 1-based): chr4:22,438,269, T>C on the plus strand (A>G on the coding strand, the complement: ADGRA3 is on the minus strand). VCF-style: chr4-22438269-T-C. GRCh37 (hg19) VCF-style: chr4-22439892-T-C.
Other names: short protein forms K358E.
Identifiers: ClinVar variation 1447505 (VCV001447505.6), dbSNP rs2109065315, ClinGen allele CA356482512.

ClinVar aggregate classification (germline): Uncertain significance (1 of 4 stars; one submission).

Submission:

Labcorp Genetics (formerly Invitae), Labcorp
Classification: Uncertain significance. Last evaluated: 2022-09-07. Review status: criteria provided, single submitter. Criteria: Invitae Variant Classification Sherloc (09022015). Collection method: clinical testing. Allele origin: germline.
Comment: In summary, the available evidence is currently insufficient to determine the role of this variant in disease. Therefore, it has been classified as a Variant of Uncertain Significance. Algorithms developed to predict the effect of missense changes on protein structure and function are either unavailable or do not agree on the potential impact of this missense change (SIFT: "Deleterious"; PolyPhen-2: "Possibly Damaging"; Align-GVGD: "Class C0"). ClinVar contains an entry for this variant (Variation ID: 1447505). This variant has not been reported in the literature in individuals affected with ADGRA3-related conditions. This variant is not present in population databases (gnomAD no frequency). This sequence change replaces lysine, which is basic and polar, with glutamic acid, which is acidic and polar, at codon 358 of the ADGRA3 protein (p.Lys358Glu).